The following is an entry in ClinVar:

ClinVar aggregate classification (germline): Conflicting classifications of pathogenicity. Review status: criteria provided, conflicting classifications (1 of 4 stars). 3 submissions from 3 submitters: Likely pathogenic (2); Uncertain significance (1). Last evaluated 2023-07-12.

Conditions:
Platelet-type bleeding disorder 15 (BDPLT15). Also called: MACROTHROMBOCYTOPENIA, AUTOSOMAL DOMINANT, ACTN1-RELATED. Identifiers: Orphanet 140957, MedGen C3554663, MONDO:0014078, OMIM 615193.
Macrothrombocytopenia. Identifiers: MedGen C2751260, HP:0040185.

Submissions (3):

Labcorp Genetics (formerly Invitae), Labcorp
Classification: Uncertain significance. Last evaluated: 2023-07-12. Review status: criteria provided, single submitter. Criteria: Invitae Variant Classification Sherloc (09022015). Collection method: clinical testing. Allele origin: germline.
Comment: This variant is not present in population databases (gnomAD no frequency). In summary, the available evidence is currently insufficient to determine the role of this variant in disease. Therefore, it has been classified as a Variant of Uncertain Significance. Advanced modeling of protein sequence and biophysical properties (such as structural, functional, and spatial information, amino acid conservation, physicochemical variation, residue mobility, and thermodynamic stability) performed at Invitae indicates that this missense variant is not expected to disrupt ACTN1 protein function. ClinVar contains an entry for this variant (Variation ID: 627175). This missense change has been observed in individual(s) with platelet disorders (PMID: 31064749, 34355501). This sequence change replaces isoleucine, which is neutral and non-polar, with methionine, which is neutral and non-polar, at codon 653 of the ACTN1 protein (p.Ile653Met).

NIHR Bioresource Rare Diseases, University of Cambridge
Classification: Likely pathogenic for Macrothrombocytopenia. Last evaluated: 2019-02-01. Review status: criteria provided, single submitter. Criteria: ACMG Guidelines, 2015. Collection method: research. Allele origin: unknown. Affected: yes. Observed: 2 heterozygotes. Study: ThromboGenomics.

ISTH-SSC Genomics in Thrombosis and Hemostasis, KU Leuven, Center for Molecular and Vascular Biology
Classification: Likely pathogenic for Platelet-type bleeding disorder 15. Review status: criteria provided, single submitter. Criteria: ACMG Guidelines, 2015. Collection method: clinical testing. Allele origin: germline. Affected: yes. Observed: 1 heterozygote.
Comment: Submitted to GoldVariant by Jose María Bastida and José Rivera; Grupo Español de Alteraciones Plaquetarias Congénitas (GEAPC)

Literature cited by the submitters: PubMed 31064749 (cited by 3 submitters); PubMed 34355501 (cited by Labcorp Genetics (formerly Invitae), Labcorp).

NM_001130004.2(ACTN1):c.1959C>G (p.Ile653Met)

Gene: ACTN1 (actinin alpha 1; minus strand). Cytogenetic location: 14q24.1.
Variant type: single nucleotide variant.
Coding change: c.1959C>G on transcript NM_001130004.2 (MANE Select); coding-DNA position 1959, C replaced by G.
Protein change: p.Ile653Met; replaces isoleucine 653 with methionine.
Molecular consequence: missense variant.
Genome position (GRCh38, 1-based): chr14:68,880,984, G>C on the plus strand (C>G on the coding strand, the complement: ACTN1 is on the minus strand). VCF-style: chr14-68880984-G-C. GRCh37 (hg19) VCF-style: chr14-69347701-G-C.
Other names: c.1959C>G, p.Ile653Met (NM_001102.4, NM_001130005.2); short protein forms I653M.
Identifiers: ClinVar variation 627175 (VCV000627175.8), dbSNP rs372031019, ClinGen allele CA390182266.